The following is an entry in ClinVar:

NM_001080.3(ALDH5A1):c.*1294C>T

Gene: ALDH5A1 (aldehyde dehydrogenase 5 family member A1; plus strand). Cytogenetic location: 6p22.3.
Variant type: single nucleotide variant.
Coding change: c.*1294C>T on transcript NM_001080.3 (MANE Select); 1294 bases downstream of the stop codon, C replaced by T.
Molecular consequence: 3 prime UTR variant.
Genome position (GRCh38, 1-based): chr6:24,535,006, C>T. VCF-style: chr6-24535006-C-T. GRCh37 (hg19) VCF-style: chr6-24535234-C-T.
Other names: c.*1294C>T (NM_001368954.1, NM_170740.1).
Identifiers: ClinVar variation 904257 (VCV000904257.4), dbSNP rs114422378, ClinGen allele CA12350350.
Genomic context (GRCh38, chr6:24,535,006, plus strand): 5'-GAGAGTTTTTACAGCTCATCATTCAAATAACGCACAAAAAACAAAAGCCGCTATGACCGG[C>T]GTTGCCTCTCACTTTGAAAGAAAGACTCCGTAATCTTAAACAGATGCAAATCCAATTAGG-3'

ClinVar aggregate classification (germline): Benign (1 of 4 stars; one submission).

Conditions:
Succinate-semialdehyde dehydrogenase deficiency (SSADHD). Also called: Succinic Semialdehyde Dehydrogenase Deficiency; 4-HYDROXYBUTYRIC ACIDURIA; GABA METABOLIC DEFECT; SSADH DEFICIENCY. Identifiers: Orphanet 22, MedGen C0268631, MONDO:0010083, OMIM 271980.

Allele frequency attached by ClinVar (database versions not stated): 1000 Genomes Project 30x 0.01140; 1000 Genomes Project 0.01278; TOPMed 0.02158.

Submission:

Illumina Laboratory Services, Illumina
Classification: Benign for Succinate-semialdehyde dehydrogenase deficiency. Last evaluated: 2018-01-12. Review status: criteria provided, single submitter. Criteria: ICSL Variant Classification Criteria 13 December 2019. Collection method: clinical testing. Allele origin: germline.
Comment: This variant was observed in the ICSL laboratory as part of a predisposition screen in an ostensibly healthy population. It had not been previously curated by ICSL or reported in the Human Gene Mutation Database (HGMD: prior to June 1st, 2018), and was therefore a candidate for classification through an automated scoring system. Utilizing variant allele frequency, disease prevalence and penetrance estimates, and inheritance mode, an automated score was calculated to assess if this variant is too frequent to cause the disease. Based on the score and internal cut-off values, a variant classified as benign is not then subjected to further curation. The score for this variant resulted in a classification of benign for this disease.